The following is an entry in ClinVar:

NM_001457.4(FLNB):c.1301G>A (p.Gly434Glu)

Gene: FLNB (filamin B; plus strand). Cytogenetic location: 3p14.3.
Variant type: single nucleotide variant.
Coding change: c.1301G>A on transcript NM_001457.4 (MANE Select); coding-DNA position 1301, G replaced by A.
Protein change: p.Gly434Glu; replaces glycine 434 with glutamic acid.
Molecular consequence: missense variant.
Genome position (GRCh38, 1-based): chr3:58,098,864, G>A. VCF-style: chr3-58098864-G-A. GRCh37 (hg19) VCF-style: chr3-58084591-G-A.
Other names: c.1301G>A, p.Gly434Glu (NM_001164317.2, NM_001164318.2, NM_001164319.2); short protein forms G434E.
Identifiers: ClinVar variation 4801684 (VCV004801684.1).

ClinVar aggregate classification (germline): Uncertain significance (1 of 4 stars; one submission).

Submission:

Labcorp Genetics (formerly Invitae), Labcorp
Classification: Uncertain significance. Last evaluated: 2025-06-24. Review status: criteria provided, single submitter. Criteria: Invitae Variant Classification Sherloc (09022015). Collection method: clinical testing. Allele origin: germline.
Comment: This sequence change replaces glycine, which is neutral and non-polar, with glutamic acid, which is acidic and polar, at codon 434 of the FLNB protein (p.Gly434Glu). This variant is not present in population databases (gnomAD no frequency). This variant has not been reported in the literature in individuals affected with FLNB-related conditions. Invitae Evidence Modeling of protein sequence and biophysical properties (such as structural, functional, and spatial information, amino acid conservation, physicochemical variation, residue mobility, and thermodynamic stability) indicates that this missense variant is not expected to disrupt FLNB protein function with a negative predictive value of 95%. In summary, the available evidence is currently insufficient to determine the role of this variant in disease. Therefore, it has been classified as a Variant of Uncertain Significance.